The following is an entry in ClinVar:

ClinVar aggregate classification (germline): Pathogenic/Likely pathogenic. Review status: criteria provided, multiple submitters, no conflicts (2 of 4 stars). 8 submissions from 8 submitters: Pathogenic (6); Likely pathogenic (1). 1 of the submissions does not count toward it. Last evaluated 2026-01-20.

Conditions:
Cockayne syndrome type 1. Also called: Cockayne syndrome type I; Cockayne syndrome classical; Cockayne syndrome classic form. Identifiers: Orphanet 191, Orphanet 90321, MedGen C0751039, MONDO:0019569, OMIM 216400.
UV-sensitive syndrome 2 (UVSS2). Identifiers: Orphanet 178338, MedGen C3553298, MONDO:0013829, OMIM 614621.
Cockayne syndrome. Identifiers: Orphanet 191, MedGen C0009207, MONDO:0016006.

Allele frequency attached by ClinVar (database versions not stated): ExAC 0.00003; TOPMed 0.00004; gnomAD 0.00005; gnomAD exomes 0.00008.

Submissions (8):

Labcorp Genetics (formerly Invitae), Labcorp
Classification: Pathogenic. Last evaluated: 2026-01-20. Review status: criteria provided, single submitter. Criteria: Invitae Variant Classification Sherloc (09022015). Collection method: clinical testing. Allele origin: germline.
Comment: This sequence change creates a premature translational stop signal (p.Glu13*) in the ERCC8 gene. It is expected to result in an absent or disrupted protein product. Loss-of-function variants in ERCC8 are known to be pathogenic (PMID: 29572252). This variant is present in population databases (rs121434324, gnomAD 0.1%). This premature translational stop signal has been observed in individuals with Cockayne syndrome (PMID: 14661080, 29572252). ClinVar contains an entry for this variant (Variation ID: 1716). For these reasons, this variant has been classified as Pathogenic.

Fulgent Genetics
Classification: Pathogenic for Cockayne syndrome type 1; UV-sensitive syndrome 2. Last evaluated: 2024-05-08. Review status: criteria provided, single submitter. Criteria: ACMG Guidelines, 2015. Collection method: clinical testing. Allele origin: germline.

GeneDx
Classification: Pathogenic. Last evaluated: 2022-01-20. Review status: criteria provided, single submitter. Criteria: GeneDx Variant Classification Process June 2021. Collection method: clinical testing. Allele origin: germline. Affected: yes.
Comment: Nonsense variant predicted to result in protein truncation or nonsense mediated decay in a gene for which loss-of-function is a known mechanism of disease; This variant is associated with the following publications: (PMID: 25333069, 29572252, 29742419, 14661080, 15744458, 19894250)

Revvity Omics, Revvity
Classification: Likely pathogenic. Last evaluated: 2021-03-30. Review status: criteria provided, single submitter. Criteria: ACMG Guidelines, 2015. Collection method: clinical testing. Allele origin: germline.

Women's Health and Genetics/Laboratory Corporation of America, LabCorp
Classification: Pathogenic for Cockayne syndrome. Last evaluated: 2020-12-23. Review status: criteria provided, single submitter. Criteria: LabCorp Variant Classification Summary - May 2015. Collection method: clinical testing. Allele origin: germline.
Comment: Variant summary: ERCC8 c.37G>T (p.Glu13X) results in a premature termination codon, predicted to cause a truncation of the encoded protein or absence of the protein due to nonsense mediated decay, which are commonly known mechanisms for disease. The variant allele was found at a frequency of 7.6e-05 in 251494 control chromosomes (gnomAD). c.37G>T has been reported in the literature in multiple homozygous and compound heterozygous individuals affected with Cockayne Syndrome (Cao_2004, Ridley_2005, Nardo_2009, Calmels_2018). These data indicate that the variant is very likely to be associated with disease. Publications also reported experimental evidence evaluating an impact on protein function, and demonstrated the lack of protein product and greatly decreased cell survival after UV irradiation in patient derived fibroblasts (Ridley_2005, Nardo_2009). Two clinical diagnostic laboratories have submitted clinical-significance assessments for this variant to ClinVar after 2014, and both of them classified the variant as pathogenic. Based on the evidence outlined above, the variant was classified as pathogenic.

Laboratory for Molecular Medicine, Mass General Brigham Personalized Medicine
Classification: Pathogenic for Cockayne syndrome type 1. Last evaluated: 2020-07-03. Review status: criteria provided, single submitter. Criteria: LMM Criteria. Collection method: clinical testing. Allele origin: germline. Inheritance: Autosomal recessive inheritance. Observed: 1 variant allele.
Comment: The p.Glu13X variant in ERCC8 has been reported in 2 compound heterozygous and 3 homozgyous individuals with Cockayne syndrome (Cao 2004 PMID:14661080, Laugel 2010 PMID: 19894250, Calmels 2018 PMID: 29572252). It has been identified in 0.139% (14/10080) of Ashkenazi Jewish chromosomes and 0.004% of European chromosomes by gnomAD. It is also reported in ClinVar (Variation ID: 1716). This nonsense variant leads to a premature termination codon at position 13, which is predicted to lead to a truncated or absent protein. Loss of function of the ERCC8 gene is an established disease mechanism in autosomal recessive Cockayne syndrome. In summary, this variant meets criteria to be classified as pathogenic for autosomal recessive Cockayne syndrome. ACMG/AMP Criteria applied: PVS1_Strong, PM3_Strong.

Myriad Genetics, Inc.
Classification: Pathogenic for Cockayne syndrome type 1. Last evaluated: 2020-01-06. Review status: criteria provided, single submitter. Criteria: Myriad Women's Health Autosomal Recessive and X-Linked Classification Criteria (2019). Collection method: clinical testing. Allele origin: unknown.
Comment: NM_000082.3(ERCC8):c.37G>T(E13*) is classified as pathogenic in the context of ERCC8-related disorders. Sources cited for classification include the following: PMID 19894250 and 14661080. Classification of NM_000082.3(ERCC8):c.37G>T(E13*) is based on the following criteria: The variant causes a premature termination codon that is expected to be targeted by nonsense-mediated mRNA decay and is reported in individuals with the relevant phenotype. Please note: this variant was assessed in the context of healthy population screening.

OMIM
Classification: Pathogenic for COCKAYNE SYNDROME A. Last evaluated: 2004-01-01. Review status: no assertion criteria provided. Collection method: literature only. Allele origin: germline. Not counted in ClinVar's aggregate classification.

Literature cited by the submitters: PubMed 29572252 (cited by 3 submitters); PubMed 14661080 (cited by 5 submitters); PubMed 19894250 (cited by 3 submitters); PubMed 19329487 (cited by Women's Health and Genetics/Laboratory Corporation of America, LabCorp); PubMed 15744458 (cited by Women's Health and Genetics/Laboratory Corporation of America, LabCorp); PubMed 25333069 (cited by Laboratory for Molecular Medicine, Mass General Brigham Personalized Medicine).

NM_000082.4(ERCC8):c.37G>T (p.Glu13Ter)

Genes: ERCC8 (ERCC excision repair 8, CSA ubiquitin ligase complex subunit; minus strand), NDUFAF2 (NADH:ubiquinone oxidoreductase complex assembly factor 2; plus strand). Cytogenetic location: 5q12.1.
Variant type: single nucleotide variant.
Coding change: c.37G>T on transcript NM_000082.4 (MANE Select); coding-DNA position 37, G replaced by T.
Protein change: p.Glu13Ter; replaces glutamic acid 13 with a stop codon.
Molecular consequence: nonsense. On other transcripts: 5 prime UTR variant (2).
Genome position (GRCh38, 1-based): chr5:60,944,972, C>A on the plus strand (G>T on the coding strand, the complement: ERCC8 is on the minus strand). VCF-style: chr5-60944972-C-A. GRCh37 (hg19) VCF-style: chr5-60240799-C-A.
Other names: c.-356G>T (NM_001007233.3); c.37G>T, p.Glu13Ter (NM_001007234.3); c.-341G>T (NM_001290285.2); short protein forms E13*.
Identifiers: ClinVar variation 1716 (VCV000001716.27), dbSNP rs121434324, ClinGen allele CA251928.